The following is an entry in ClinVar:

ClinVar aggregate classification (germline): Uncertain significance (1 of 4 stars; one submission).

Submission:

GeneDx
Classification: Uncertain significance. Last evaluated: 2025-01-07. Review status: criteria provided, single submitter. Criteria: GeneDx Variant Classification Process June 2021. Collection method: clinical testing. Allele origin: germline. Affected: yes.
Comment: Not observed at significant frequency in large population cohorts (gnomAD); In silico analysis supports that this missense variant has a deleterious effect on protein structure/function; Has not been previously published as pathogenic or benign to our knowledge

NM_144658.4(DOCK11):c.5741C>T (p.Pro1914Leu)

Gene: DOCK11 (dedicator of cytokinesis 11; plus strand). Cytogenetic location: Xq24.
Variant type: single nucleotide variant.
Coding change: c.5741C>T on transcript NM_144658.4 (MANE Select); coding-DNA position 5741, C replaced by T.
Protein change: p.Pro1914Leu; replaces proline 1914 with leucine.
Molecular consequence: missense variant.
Genome position (GRCh38, 1-based): chrX:118,681,127, C>T. VCF-style: chrX-118681127-C-T. GRCh37 (hg19) VCF-style: chrX-117815090-C-T.
Other names: short protein forms P1914L.
Identifiers: ClinVar variation 4057022 (VCV004057022.1).